The following is an entry in ClinVar:

NM_001270974.2(HYDIN):c.2610C>T (p.Thr870=)

Gene: HYDIN (HYDIN axonemal central pair apparatus protein; minus strand). Cytogenetic location: 16q22.2.
Variant type: single nucleotide variant.
Coding change: c.2610C>T on transcript NM_001270974.2 (MANE Select); coding-DNA position 2610, C replaced by T.
Protein change: p.Thr870=; no amino-acid change (threonine 870 retained).
Molecular consequence: synonymous variant.
Genome position (GRCh38, 1-based): chr16:71,031,837, G>A on the plus strand (C>T on the coding strand, the complement: HYDIN is on the minus strand). VCF-style: chr16-71031837-G-A. GRCh37 (hg19) VCF-style: chr16-71065740-G-A.
Other names: c.2691C>T, p.Thr897= (NM_001198542.1); c.2661C>T, p.Thr887= (NM_001198543.1); c.2610C>T, p.Thr870= (NM_017558.5).
Identifiers: ClinVar variation 4083962 (VCV004083962.9).
Genomic context (GRCh38, chr16:71,031,837, plus strand): 5'-GCTATTTTCAATGTCCAAAATAACACAGTCCTTGAATGTCAGTGTGTCATTCAGGTTGGC[G>A]GTCAGTGCCAGTTGAACATCAGTTTCTGGAGGAACCATGCCTTCATTGGGTTCAATCGTC-3'
Protein context (NP_001257903.1, residues 860-880): PPETDVQLAL[Thr870=]ANLNDTLTFK

ClinVar aggregate classification (germline): Likely benign. Review status: criteria provided, multiple submitters, no conflicts (2 of 4 stars). 2 submissions from 2 submitters: Likely benign (2). Last evaluated 2025-07-01.

gnomAD v4.1: 1,083 of 1,195,332 alleles (0.091%); highest among the groups gnomAD compares: South Asian, 0.94%; 12 homozygotes.

Submissions (2):

CeGaT Center for Human Genetics Tuebingen
Classification: Likely benign. Last evaluated: 2025-07-01. Review status: criteria provided, single submitter. Criteria: CeGaT Center For Human Genetics Tuebingen Variant Classification Criteria Version 2. Collection method: clinical testing. Allele origin: germline. Affected: yes. Observed: 1 variant allele.
Comment: HYDIN: BP4, BP7, BS2

Blueprint Genetics
Classification: Likely benign. Last evaluated: 2024-11-19. Review status: criteria provided, single submitter. Criteria: ACMG Guidelines, 2015. Collection method: clinical testing. Allele origin: germline.